The following is an entry in ClinVar:

ClinVar aggregate classification (germline): Uncertain significance (1 of 4 stars; one submission).

Conditions:
Muscular dystrophy-dystroglycanopathy type B6 (MDDGB6). Also called: MUSCULAR DYSTROPHY, CONGENITAL, LARGE-RELATED; MUSCULAR DYSTROPHY, CONGENITAL, TYPE 1D; MUSCULAR DYSTROPHY-DYSTROGLYCANOPATHY (CONGENITAL WITH IMPAIRED INTELLECTUAL DEVELOPMENT), TYPE B, 6. Identifiers: MedGen C1837229, MONDO:0012138, OMIM 608840.

Submission:

Labcorp Genetics (formerly Invitae), Labcorp
Classification: Uncertain significance for Muscular dystrophy-dystroglycanopathy type B6. Last evaluated: 2025-12-18. Review status: criteria provided, single submitter. Criteria: Invitae Variant Classification Sherloc (09022015). Collection method: clinical testing. Allele origin: germline.
Comment: This sequence change replaces leucine, which is neutral and non-polar, with proline, which is neutral and non-polar, at codon 65 of the LARGE1 protein (p.Leu65Pro). This variant is not present in population databases (gnomAD no frequency). This variant has not been reported in the literature in individuals affected with LARGE1-related conditions. An algorithm developed to predict the effect of missense changes on protein structure and function (PolyPhen-2) suggests that this variant is likely to be disruptive. In summary, the available evidence is currently insufficient to determine the role of this variant in disease. Therefore, it has been classified as a Variant of Uncertain Significance.

NM_133642.5(LARGE1):c.194T>C (p.Leu65Pro)

Gene: LARGE1 (LARGE xylosyl- and glucuronyltransferase 1; minus strand). Cytogenetic location: 22q12.3.
Variant type: single nucleotide variant.
Coding change: c.194T>C on transcript NM_133642.5 (MANE Select); coding-DNA position 194, T replaced by C.
Protein change: p.Leu65Pro; replaces leucine 65 with proline.
Molecular consequence: missense variant.
Genome position (GRCh38, 1-based): chr22:33,650,581, A>G on the plus strand (T>C on the coding strand, the complement: LARGE1 is on the minus strand). VCF-style: chr22-33650581-A-G. GRCh37 (hg19) VCF-style: chr22-34046567-A-G.
Other names: c.194T>C, p.Leu65Pro (NM_001362949.2, NM_001362951.2, NM_001362953.2 and 7 more transcripts); short protein forms L65P.
Identifiers: ClinVar variation 4732993 (VCV004732993.1).